The following is an entry in ClinVar:

NM_005529.7(HSPG2):c.4928C>A (p.Pro1643His)

Gene: HSPG2 (heparan sulfate proteoglycan 2; minus strand). Cytogenetic location: 1p36.12.
Variant type: single nucleotide variant.
Coding change: c.4928C>A on transcript NM_005529.7 (MANE Select); coding-DNA position 4928, C replaced by A.
Protein change: p.Pro1643His; replaces proline 1643 with histidine.
Molecular consequence: missense variant.
Genome position (GRCh38, 1-based): chr1:21,861,784, G>T on the plus strand (C>A on the coding strand, the complement: HSPG2 is on the minus strand). VCF-style: chr1-21861784-G-T. GRCh37 (hg19) VCF-style: chr1-22188277-G-T.
Other names: c.4931C>A, p.Pro1644His (NM_001291860.2); short protein forms P1643H, P1644H.
Identifiers: ClinVar variation 197081 (VCV000197081.29), dbSNP rs775389963, ClinGen allele CA245020.

ClinVar aggregate classification (germline): Conflicting classifications of pathogenicity. Review status: criteria provided, conflicting classifications (1 of 4 stars). 6 submissions from 6 submitters: Uncertain significance (4); Likely benign (1). 1 of the submissions does not count toward it. Last evaluated 2025-12-08.

Conditions:
HSPG2-related disorder. Also called: HSPG2-related disorders; HSPG2-related condition.
Lethal Kniest-like syndrome (DDSH). Also called: Dyssegmental Dysplasia. Identifiers: Orphanet 1865, MedGen C1857100, MONDO:0009140, OMIM 224410.

Allele frequency attached by ClinVar (database versions not stated): gnomAD 0.00005 and 0.00006; TOPMed 0.00016.
gnomAD v4.1: 126 of 1,613,810 alleles (0.0078%); highest among the groups gnomAD compares: Admixed American, 0.21%; no homozygotes.

Submissions (6):

Labcorp Genetics (formerly Invitae), Labcorp
Classification: Likely benign. Last evaluated: 2025-12-08. Review status: criteria provided, single submitter. Criteria: Invitae Variant Classification Sherloc (09022015). Collection method: clinical testing. Allele origin: germline.

ARUP Laboratories, Molecular Genetics and Genomics, ARUP Laboratories
Classification: Uncertain significance. Last evaluated: 2021-11-09. Review status: criteria provided, single submitter. Criteria: ARUP Molecular Germline Variant Investigation Process 2021. Collection method: clinical testing. Allele origin: germline.
Comment: The HSPG2 c.4928C>A, p.Pro1643His variant (rs775389963), to our knowledge, has not been reported in the medical literature, but is listed in ClinVar (Variation ID: 197081). The variant is reported in the Latino population with an allele frequency of 0.33% (113/34,504 alleles) in the Genome Aggregation Database. The proline at position 1643 is moderately, but computational analyses are uncertain whether this variant is neutral or deleterious. Due to limited information, the clinical significance of the p.Pro1643His variant is uncertain at this time.

GeneDx
Classification: Uncertain significance. Last evaluated: 2019-12-03. Review status: criteria provided, single submitter. Criteria: GeneDx Variant Classification Process June 2021. Collection method: clinical testing. Allele origin: germline. Affected: yes.
Comment: In silico analysis, which includes protein predictors and evolutionary conservation, supports a deleterious effect; Has not been previously published as pathogenic or benign to our knowledge

Baylor Genetics
Classification: Uncertain significance for Lethal Kniest-like syndrome. Last evaluated: 2018-09-25. Review status: criteria provided, single submitter. Criteria: ACMG Guidelines, 2015. Collection method: clinical testing. Allele origin: maternal. Affected: yes.
Comment: This variant was determined to be of uncertain significance according to ACMG Guidelines, 2015 [PMID:25741868].

Eurofins Ntd Llc (ga)
Classification: Uncertain significance. Last evaluated: 2014-11-03. Review status: criteria provided, single submitter. Criteria: EGL Classification Definitions 2015. Collection method: clinical testing. Allele origin: germline. Observed: 1 variant allele, 1 heterozygote.

PreventionGenetics, part of Exact Sciences
Classification: Likely benign for HSPG2-related condition. Last evaluated: 2022-08-31. Review status: no assertion criteria provided. Collection method: clinical testing. Allele origin: germline. Not counted in ClinVar's aggregate classification.
Comment: This variant is classified as likely benign based on ACMG/AMP sequence variant interpretation guidelines (Richards et al. 2015 PMID: 25741868, with internal and published modifications).